The following is an entry in ClinVar:

NC_000023.10:g.(?_99551275)_(99551893_?)dup

Gene: PCDH19 (protocadherin 19; minus strand). Cytogenetic location: Xq22.1.
Variant type: Duplication.
Identifiers: ClinVar variation 3244904 (VCV003244904.1).

ClinVar aggregate classification (germline): Uncertain significance (1 of 4 stars; one submission).

Conditions:
Developmental and epileptic encephalopathy, 9 (DEE9). Also called: Early infantile epileptic encephalopathy 9; JUBERG-HELLMAN SYNDROME; EPILEPSY, FEMALE-RESTRICTED, WITH MENTAL RETARDATION; PCDH19-Related X-Linked Female-Limited Epilepsy with Mental Retardation. Identifiers: Orphanet 101039, Orphanet 2076, MedGen C1848137, MONDO:0010246, OMIM 300088. Disease mechanism: loss of function.

Submission:

Labcorp Genetics (formerly Invitae), Labcorp
Classification: Uncertain significance for Developmental and epileptic encephalopathy, 9. Last evaluated: 2023-09-19. Review status: criteria provided, single submitter. Criteria: Invitae Variant Classification Sherloc (09022015). Collection method: clinical testing. Allele origin: unknown.
Comment: This variant results in a copy number gain of the genomic region encompassing exon(s) 6 of the PCDH19 gene. This region includes the termination codon of the gene. This copy number gain extends beyond the assayed region for this gene and therefore may encompass additional genes. As the precise location of this event is unknown, it may be in tandem or it may be located elsewhere in the genome. This variant has not been reported in the literature in individuals affected with PCDH19-related conditions. In summary, the available evidence is currently insufficient to determine the role of this variant in disease. Therefore, it has been classified as a Variant of Uncertain Significance.